The following is an entry in ClinVar:

NM_005883.3(APC2):c.5259A>G (p.Lys1753=)

Gene: APC2 (APC regulator of Wnt signaling pathway 2; plus strand). Cytogenetic location: 19p13.3.
Variant type: single nucleotide variant.
Coding change: c.5259A>G on transcript NM_005883.3 (MANE Select); coding-DNA position 5259, A replaced by G.
Protein change: p.Lys1753=; no amino-acid change (lysine 1753 retained).
Molecular consequence: synonymous variant.
Genome position (GRCh38, 1-based): chr19:1,468,560, A>G. VCF-style: chr19-1468560-A-G. GRCh37 (hg19) VCF-style: chr19-1468559-A-G.
Other names: c.5256A>G, p.Lys1752= (NM_001351273.1).
Identifiers: ClinVar variation 721460 (VCV000721460.31), dbSNP rs147844211, ClinGen allele CA9046000.

ClinVar aggregate classification (germline): Likely benign. Review status: criteria provided, multiple submitters, no conflicts (2 of 4 stars). 2 submissions from 2 submitters: Likely benign (2). Last evaluated 2026-07-01.

Allele frequency attached by ClinVar (database versions not stated): 1000 Genomes Project 30x 0.00016; 1000 Genomes Project 0.00020; TOPMed 0.00048; gnomAD exomes 0.00054 and 0.00099; gnomAD 0.00056 and 0.00059; ESP Exome Variant Server 0.00085; ExAC 0.00094.

Submissions (2):

CeGaT Center for Human Genetics Tuebingen
Classification: Likely benign. Last evaluated: 2026-07-01. Review status: criteria provided, single submitter. Criteria: CeGaT Center For Human Genetics Tuebingen Variant Classification Criteria Version 2. Collection method: clinical testing. Allele origin: germline. Affected: yes. Observed: 5 variant alleles.
Comment: APC2: BP4, BP7

Labcorp Genetics (formerly Invitae), Labcorp
Classification: Likely benign. Last evaluated: 2026-01-11. Review status: criteria provided, single submitter. Criteria: Invitae Variant Classification Sherloc (09022015). Collection method: clinical testing. Allele origin: germline.